The following is an entry in ClinVar:

NM_002465.4(MYBPC1):c.2792T>C (p.Ile931Thr)

Gene: MYBPC1 (myosin binding protein C1; plus strand). Cytogenetic location: 12q23.2.
Variant type: single nucleotide variant.
Coding change: c.2792T>C on transcript NM_002465.4 (MANE Select); coding-DNA position 2792, T replaced by C.
Protein change: p.Ile931Thr; replaces isoleucine 931 with threonine.
Molecular consequence: missense variant.
Genome position (GRCh38, 1-based): chr12:101,673,605, T>C. VCF-style: chr12-101673605-T-C. GRCh37 (hg19) VCF-style: chr12-102067383-T-C.
Other names: c.2771T>C, p.Ile924Thr (NM_001254718.3, NM_206820.4); c.2717T>C, p.Ile906Thr (NM_001254719.3, NM_206821.4); c.2681T>C, p.Ile894Thr (NM_001254720.3); c.2660T>C, p.Ile887Thr (NM_001254721.3, NM_001404676.1, NM_001404678.1); c.2639T>C, p.Ile880Thr (NM_001254722.3, NM_001404680.1); c.2792T>C (NM_002465.3); c.2678T>C, p.Ile893Thr (NM_001254723.3); c.2792T>C, p.Ile931Thr (NM_001404675.1, NM_206819.4); and 1 more; short protein forms I894T, I861T, I887T, I931T, I880T, I893T, I906T, I924T.
Identifiers: ClinVar variation 2331998 (VCV002331998.4), dbSNP rs757941189, ClinGen allele CA6745215.

ClinVar aggregate classification (germline): Uncertain significance. Review status: criteria provided, multiple submitters, no conflicts (2 of 4 stars). 3 submissions from 3 submitters: Uncertain significance (3). Last evaluated 2024-03-27.

Conditions:
Inborn genetic diseases. Identifiers: MedGen C0950123, MeSH D030342.

Allele frequency attached by ClinVar (database versions not stated): ExAC 0.00001; gnomAD 0.00001; gnomAD exomes 0.00001; TOPMed 0.00002.
gnomAD v4.1: 13 of 1,614,060 alleles (0.00081%); highest among the groups gnomAD compares: East Asian, 0.0045%; no homozygotes.

Submissions (3):

GeneDx
Classification: Uncertain significance. Last evaluated: 2024-03-27. Review status: criteria provided, single submitter. Criteria: GeneDx Variant Classification Process June 2021. Collection method: clinical testing. Allele origin: germline. Affected: yes.
Comment: In silico analysis supports that this missense variant has a deleterious effect on protein structure/function; Has not been previously published as pathogenic or benign to our knowledge

Ambry Genetics
Classification: Uncertain significance for Inborn genetic diseases. Last evaluated: 2022-12-02. Review status: criteria provided, single submitter. Criteria: Ambry Variant Classification Scheme 2023. Collection method: clinical testing. Allele origin: germline.

Blueprint Genetics
Classification: Uncertain significance. Last evaluated: 2020-12-28. Review status: criteria provided, single submitter. Criteria: ACMG Guidelines, 2015. Collection method: clinical testing. Allele origin: germline.